The following is an entry in ClinVar:

ClinVar aggregate classification (germline): Pathogenic (0 of 4 stars; one submission).

gnomAD v4.1: 1 of 1,210,908 alleles (0.000083%); highest among the groups gnomAD compares: Non-Finnish European, 0.00011%; no homozygotes.

Submission:

GenMed Metabolism Lab
Classification: Pathogenic. Review status: no assertion criteria provided. Collection method: not provided. Allele origin: unknown.
Comment: p.His302Gln, Late
ClinVar note: Converted during submission from pathogenic to Pathogenic.

NM_000531.6(OTC):c.906C>G (p.His302Gln)

Gene: OTC (ornithine transcarbamylase; plus strand). Cytogenetic location: Xp11.4.
Variant type: single nucleotide variant.
Coding change: c.906C>G on transcript NM_000531.6 (MANE Select); coding-DNA position 906, C replaced by G.
Protein change: p.His302Gln; replaces histidine 302 with glutamine.
Molecular consequence: missense variant.
Genome position (GRCh38, 1-based): chrX:38,411,900, C>G. VCF-style: chrX-38411900-C-G. GRCh37 (hg19) VCF-style: chrX-38271153-C-G.
Other names: short protein forms H302Q.
Identifiers: ClinVar variation 97354 (VCV000097354.2), dbSNP rs67870244, ClinGen allele CA224828.
Genomic context (GRCh38, chrX:38,411,900, plus strand): 5'-GGTCTTATCCCCATCTCTTTAGACTGCTAAAGTTGCTGCCTCTGACTGGACATTTTTACA[C>G]TGCTTGCCCAGAAAGCCAGAAGAAGTGGATGATGAAGTCTTTTATTCTCCTCGATCACTA-3'
Protein context (NP_000522.3, residues 292-312): KVAASDWTFL[His302Gln]CLPRKPEEVD